The following is an entry in ClinVar:

NM_001037333.3(CYFIP2):c.666+5G>A

Gene: CYFIP2 (cytoplasmic FMR1 interacting protein 2; plus strand). Cytogenetic location: 5q33.3.
Variant type: single nucleotide variant.
Coding change: c.666+5G>A on transcript NM_001037333.3 (MANE Select); 5 bases into the intron after coding-DNA position 666, G replaced by A.
Molecular consequence: intron variant.
Genome position (GRCh38, 1-based): chr5:157,302,895, G>A. VCF-style: chr5-157302895-G-A. GRCh37 (hg19) VCF-style: chr5-156729903-G-A.
Other names: c.666+5G>A (NM_001291722.2, NM_014376.4); c.588+5G>A (NM_001291721.2).
Identifiers: ClinVar variation 4796875 (VCV004796875.1).

ClinVar aggregate classification (germline): Uncertain significance (1 of 4 stars; one submission).

gnomAD v4.1: 1 of 1,568,036 alleles (0.000064%); highest among the groups gnomAD compares: Non-Finnish European, 0.000087%; no homozygotes.

Submission:

Labcorp Genetics (formerly Invitae), Labcorp
Classification: Uncertain significance. Last evaluated: 2025-11-03. Review status: criteria provided, single submitter. Criteria: Invitae Variant Classification Sherloc (09022015). Collection method: clinical testing. Allele origin: germline.
Comment: This sequence change falls in intron 7 of the CYFIP2 gene. It does not directly change the encoded amino acid sequence of the CYFIP2 protein. It affects a nucleotide within the consensus splice site. This variant is not present in population databases (gnomAD no frequency). This variant has not been reported in the literature in individuals affected with CYFIP2-related conditions. Variants that disrupt the consensus splice site are a relatively common cause of aberrant splicing (PMID: 17576681, 9536098). Algorithms developed to predict the effect of sequence changes on RNA splicing suggest that this variant is not likely to affect RNA splicing. In summary, the available evidence is currently insufficient to determine the role of this variant in disease. Therefore, it has been classified as a Variant of Uncertain Significance.

Literature cited by the submitters: PubMed 17576681; PubMed 9536098.